The following is an entry in ClinVar:

NM_001170700.3(DTHD1):c.2446G>A (p.Glu816Lys)

Gene: DTHD1 (death domain containing 1; plus strand). Cytogenetic location: 4p14.
Variant type: single nucleotide variant.
Coding change: c.2446G>A on transcript NM_001170700.3 (MANE Select); coding-DNA position 2446, G replaced by A.
Protein change: p.Glu816Lys; replaces glutamic acid 816 with lysine.
Molecular consequence: missense variant. On other transcripts: synonymous variant (1), non-coding transcript variant (2).
Genome position (GRCh38, 1-based): chr4:36,343,549, G>A. VCF-style: chr4-36343549-G-A. GRCh37 (hg19) VCF-style: chr4-36345171-G-A.
Other names: c.1576G>A, p.Glu526Lys (NM_001136536.5); c.1455G>A, p.Gln485= (NM_001378435.1); short protein forms E816K, E526K.
Identifiers: ClinVar variation 3011695 (VCV003011695.3), dbSNP rs2529890795, ClinGen allele CA356682115.

ClinVar aggregate classification (germline): Uncertain significance (1 of 4 stars; one submission).

Submission:

Labcorp Genetics (formerly Invitae), Labcorp
Classification: Uncertain significance. Last evaluated: 2025-01-15. Review status: criteria provided, single submitter. Criteria: Invitae Variant Classification Sherloc (09022015). Collection method: clinical testing. Allele origin: germline.
Comment: This sequence change replaces glutamic acid, which is acidic and polar, with lysine, which is basic and polar, at codon 526 of the DTHD1 protein (p.Glu526Lys). This variant is not present in population databases (gnomAD no frequency). This variant has not been reported in the literature in individuals affected with DTHD1-related conditions. ClinVar contains an entry for this variant (Variation ID: 3011695). An algorithm developed to predict the effect of missense changes on protein structure and function (PolyPhen-2) suggests that this variant is likely to be disruptive. Algorithms developed to predict the effect of sequence changes on RNA splicing suggest that this variant may disrupt the consensus splice site. In summary, the available evidence is currently insufficient to determine the role of this variant in disease. Therefore, it has been classified as a Variant of Uncertain Significance.